The following is an entry in ClinVar:

ClinVar aggregate classification (germline): Likely pathogenic (1 of 4 stars; one submission).

Conditions:
Rod-cone dystrophy. Identifiers: MedGen C4551714, HP:0000510.

Submission:

Ocular Genomics Institute, Massachusetts Eye and Ear
Classification: Likely pathogenic for Rod-cone dystrophy. Last evaluated: 2021-04-08. Review status: criteria provided, single submitter. Criteria: ACMG Guidelines, 2015. Collection method: research. Allele origin: germline. Affected: yes.
Comment: Through a review of available evidence we were able to apply the following criteria: PVS1, PM2. Based on this evidence we have classified this variant as Likely Pathogenic.

NM_019892.6(INPP5E):c.943_965dup (p.Leu323fs)

Gene: INPP5E (inositol polyphosphate-5-phosphatase E; minus strand). Cytogenetic location: 9q34.3.
Variant type: Duplication.
Coding change: c.943_965dup on transcript NM_019892.6 (MANE Select); coding-DNA positions 943 to 965, 23 bases duplicated (CCGCCCAGCCTGGACGAGTTCCT).
Protein change: p.Leu323fs; shifts the reading frame from leucine 323.
Molecular consequence: frameshift variant.
Genome position (GRCh38, 1-based): chr9:136,434,106-136,434,128, AGGAACTCGTCCAGGCTGGGCGG duplicated on the plus strand (CCGCCCAGCCTGGACGAGTTCCT on the coding strand, the reverse complement: INPP5E is on the minus strand). VCF-style (leftmost placement, unchanged base first): chr9-136434105-C-CAGGAACTCGTCCAGGCTGGGCGG. GRCh37 (hg19) VCF-style: chr9-139328557-C-CAGGAACTCGTCCAGGCTGGGCGG.
Other names: c.943_965dup, p.Leu323fs (NM_001318502.2); short protein forms L323fs.
Identifiers: ClinVar variation 1065716 (VCV001065716.1), dbSNP rs2131610473, ClinGen allele CA2499219788.
Genomic context (GRCh38, chr9:136,434,105, plus strand): 5'-ACAGCCCTCCTGGACCCCGATGACATACAGGTCCTGGGCATAGTCGGCCTCGGCTGGGAG[C>CAGGAACTCGTCCAGGCTGGGCGG]AGGAACTCGTCCAGGCTGGGCGGGAGCTCCTGGAAGGAGGGAGCATGTGGTGGGCCGGCT-3'